The following is an entry in ClinVar:

NM_000548.5(TSC2):c.3532C>G (p.Gln1178Glu)

Gene: TSC2 (TSC complex subunit 2; plus strand). Cytogenetic location: 16p13.3.
Variant type: single nucleotide variant.
Coding change: c.3532C>G on transcript NM_000548.5 (MANE Select); coding-DNA position 3532, C replaced by G.
Protein change: p.Gln1178Glu; replaces glutamine 1178 with glutamic acid.
Molecular consequence: missense variant.
Genome position (GRCh38, 1-based): chr16:2,080,299, C>G. VCF-style: chr16-2080299-C-G. GRCh37 (hg19) VCF-style: chr16-2130300-C-G.
Other names: p.Q1178E:CAG>GAG; c.3400C>G, p.Gln1134Glu (NM_001077183.3, NM_001370404.1); c.3532C>G, p.Gln1178Glu (NM_001114382.3); c.3292C>G, p.Gln1098Glu (NM_001318827.2); c.3256C>G, p.Gln1086Glu (NM_001318829.2); c.2800C>G, p.Gln934Glu (NM_001318831.2); c.3433C>G, p.Gln1145Glu (NM_001318832.2); c.3403C>G, p.Gln1135Glu (NM_001363528.2, NM_001370405.1, NM_021055.3); short protein forms Q1178E, Q1098E, Q1086E, Q1134E, Q1135E, Q1145E, Q934E.
Identifiers: ClinVar variation 207746 (VCV000207746.15), dbSNP rs45517297, ClinGen allele CA319515.

ClinVar aggregate classification (germline): Conflicting classifications of pathogenicity. Review status: criteria provided, conflicting classifications (1 of 4 stars). 4 submissions from 4 submitters: Uncertain significance (3); Benign (1). Last evaluated 2026-01-27.

Conditions:
Hereditary cancer-predisposing syndrome. Also called: Neoplastic Syndromes, Hereditary; Hereditary Cancer Syndrome; Tumor predisposition; Hereditary neoplastic syndrome. Identifiers: Orphanet 140162, MedGen C0027672, MeSH D009386, MONDO:0015356.
Tuberous sclerosis 2 (TSC2). Identifiers: Orphanet 805, MedGen C1860707, MONDO:0013199, OMIM 613254.

Allele frequency attached by ClinVar (database versions not stated): gnomAD 0.00001; TOPMed 0.00001.
gnomAD v4.1: 1 of 1,612,828 alleles (0.000062%); highest among the groups gnomAD compares: African/African-American, 0.0013%; no homozygotes.

Submissions (4):

Labcorp Genetics (formerly Invitae), Labcorp
Classification: Benign for Tuberous sclerosis 2. Last evaluated: 2026-01-27. Review status: criteria provided, single submitter. Criteria: Invitae Variant Classification Sherloc (09022015). Collection method: clinical testing. Allele origin: germline.

Ambry Genetics
Classification: Uncertain significance for Hereditary cancer-predisposing syndrome. Last evaluated: 2025-08-30. Review status: criteria provided, single submitter. Criteria: Ambry Variant Classification Scheme 2023. Collection method: clinical testing. Allele origin: germline.
Comment: The p.Q1178E variant (also known as c.3532C>G), located in coding exon 29 of the TSC2 gene, results from a C to G substitution at nucleotide position 3532. The glutamine at codon 1178 is replaced by glutamic acid, an amino acid with highly similar properties. This amino acid position is poorly conserved in available vertebrate species. In addition, the in silico prediction for this alteration is inconclusive. Since supporting evidence is limited at this time, the clinical significance of this alteration remains unclear.

Genome-Nilou Lab
Classification: Uncertain significance for Tuberous sclerosis 2. Last evaluated: 2021-11-07. Review status: criteria provided, single submitter. Criteria: ACMG Guidelines, 2015. Collection method: clinical testing. Allele origin: germline. Affected: no.

GeneDx
Classification: Uncertain significance. Last evaluated: 2016-04-05. Review status: criteria provided, single submitter. Criteria: GeneDx Variant Classification (06012015). Collection method: clinical testing. Allele origin: germline. Affected: yes.
Comment: This variant is denoted TSC2 c.3532C>G at the cDNA level, p.Gln1178Glu (Q1178E) at the protein level, and results in the change of a Glutamine to a Glutamic Acid (CAG>GAG). This variant has not, to our knowledge, been published in the literature as pathogenic or benign. TSC2 Gln1178Glu was not observed in approximately 6,500 individuals of European and African American ancestry in the NHLBI Exome Sequencing Project, suggesting it is not a common benign variant in these populations. Since Glutamine and Glutamic Acid differ in some properties, this is considered a semi-conservative amino acid substitution. TSC2 Gln1178Glu occurs at a position that is not conserved and is not located in a known functional domain (Gumbinger 2009). In silico analyses predict that this variant is unlikely to alter protein structure or function. Based on currently available evidence, it is unclear whether TSC2 Gln1178Glu is a pathogenic or benign variant. We consider it to be a variant of uncertain significance.